The following is an entry in ClinVar:

ClinVar aggregate classification (germline): Uncertain significance (1 of 4 stars; one submission).

Conditions:
Ullrich congenital muscular dystrophy 2 (UCMD2). Identifiers: Orphanet 75840, MedGen C4225314, MONDO:0014654, OMIM 616470.
Bethlem myopathy 2 (BTHLM2). Identifiers: Orphanet 536516, Orphanet 610, MedGen C4225313, MONDO:0034022, OMIM 616471.

gnomAD v4.1: 1 of 1,603,438 alleles (0.000062%); highest among the groups gnomAD compares: South Asian, 0.0011%; no homozygotes.

Submission:

Labcorp Genetics (formerly Invitae), Labcorp
Classification: Uncertain significance for Bethlem myopathy 2; Ullrich congenital muscular dystrophy 2. Last evaluated: 2026-01-28. Review status: criteria provided, single submitter. Criteria: Invitae Variant Classification Sherloc (09022015). Collection method: clinical testing. Allele origin: germline.
Comment: This sequence change replaces valine, which is neutral and non-polar, with leucine, which is neutral and non-polar, at codon 2366 of the COL12A1 protein (p.Val2366Leu). This variant is not present in population databases (gnomAD no frequency). This variant has not been reported in the literature in individuals affected with COL12A1-related conditions. Invitae Evidence Modeling of protein sequence and biophysical properties (such as structural, functional, and spatial information, amino acid conservation, physicochemical variation, residue mobility, and thermodynamic stability) indicates that this missense variant is not expected to disrupt COL12A1 protein function with a negative predictive value of 80%. In summary, the available evidence is currently insufficient to determine the role of this variant in disease. Therefore, it has been classified as a Variant of Uncertain Significance.

NM_004370.6(COL12A1):c.7096G>T (p.Val2366Leu)

Genes: COL12A1 (collagen type XII alpha 1 chain; minus strand), LOC126859712 (MED14-independent group 3 enhancer GRCh37_chr6:75828643-75829842; plus strand). Cytogenetic location: 6q13.
Variant type: single nucleotide variant.
Coding change: c.7096G>T on transcript NM_004370.6 (MANE Select); coding-DNA position 7096, G replaced by T.
Protein change: p.Val2366Leu; replaces valine 2366 with leucine.
Molecular consequence: missense variant.
Genome position (GRCh38, 1-based): chr6:75,119,464, C>A on the plus strand (G>T on the coding strand, the complement: COL12A1 is on the minus strand). VCF-style: chr6-75119464-C-A. GRCh37 (hg19) VCF-style: chr6-75829180-C-A.
Other names: c.7096G>T, p.Val2366Leu (NM_001424113.1); c.7075G>T, p.Val2359Leu (NM_001424114.1); c.6823G>T, p.Val2275Leu (NM_001424115.1); c.3604G>T, p.Val1202Leu (NM_001424116.1, NM_080645.3); short protein forms V1202L, V2359L, V2366L, V2275L.
Identifiers: ClinVar variation 4783121 (VCV004783121.1).